The following is an entry in ClinVar:

NM_002661.5(PLCG2):c.3518A>T (p.Glu1173Val)

Gene: PLCG2 (phospholipase C gamma 2; plus strand). Cytogenetic location: 16q23.3.
Variant type: single nucleotide variant.
Coding change: c.3518A>T on transcript NM_002661.5 (MANE Select); coding-DNA position 3518, A replaced by T.
Protein change: p.Glu1173Val; replaces glutamic acid 1173 with valine.
Molecular consequence: missense variant.
Genome position (GRCh38, 1-based): chr16:81,946,211, A>T. VCF-style: chr16-81946211-A-T. GRCh37 (hg19) VCF-style: chr16-81979816-A-T.
Other names: c.3518A>T, p.Glu1173Val (NM_001425749.1, NM_001425750.1, NM_001425751.1); short protein forms E1173V.
Identifiers: ClinVar variation 3728003 (VCV003728003.2).

ClinVar aggregate classification (germline): Uncertain significance (1 of 4 stars; one submission).

Conditions:
Familial cold autoinflammatory syndrome 3 (FCAS3). Also called: FAMILIAL ATYPICAL COLD URTICARIA; ANTIBODY DEFICIENCY AND IMMUNE DYSREGULATION, PLCG2-ASSOCIATED. Identifiers: Orphanet 300359, MedGen C3280914, MONDO:0013766, OMIM 614468.

Submission:

Labcorp Genetics (formerly Invitae), Labcorp
Classification: Uncertain significance for Familial cold autoinflammatory syndrome 3. Last evaluated: 2024-12-24. Review status: criteria provided, single submitter. Criteria: Invitae Variant Classification Sherloc (09022015). Collection method: clinical testing. Allele origin: germline.
Comment: This sequence change replaces glutamic acid, which is acidic and polar, with valine, which is neutral and non-polar, at codon 1173 of the PLCG2 protein (p.Glu1173Val). This variant is not present in population databases (gnomAD no frequency). This variant has not been reported in the literature in individuals affected with PLCG2-related conditions. An algorithm developed to predict the effect of missense changes on protein structure and function (PolyPhen-2) suggests that this variant is likely to be disruptive. In summary, the available evidence is currently insufficient to determine the role of this variant in disease. Therefore, it has been classified as a Variant of Uncertain Significance.